The following is an entry in ClinVar:

NM_001370298.3(FGD4):c.*290G>A

Gene: FGD4 (FYVE, RhoGEF and PH domain containing 4; plus strand). Cytogenetic location: 12p11.21.
Variant type: single nucleotide variant.
Coding change: c.*290G>A on transcript NM_001370298.3 (MANE Select); 290 bases downstream of the stop codon, G replaced by A.
Molecular consequence: 3 prime UTR variant. On other transcripts: intron variant (3).
Genome position (GRCh38, 1-based): chr12:32,640,823, G>A. VCF-style: chr12-32640823-G-A. GRCh37 (hg19) VCF-style: chr12-32793757-G-A.
Other names: c.*290G>A (NM_001304481.2, NM_001304484.2, NM_001330373.2 and 5 more transcripts); c.2632+370G>A (NM_001384126.1); c.2221+370G>A (NM_001384127.1, NM_001384128.1).
Identifiers: ClinVar variation 308302 (VCV000308302.8), dbSNP rs79732949, ClinGen allele CA10640903.

ClinVar aggregate classification (germline): Benign/Likely benign. Review status: criteria provided, multiple submitters, no conflicts (2 of 4 stars). 2 submissions from 2 submitters: Benign (1); Likely benign (1). Last evaluated 2019-05-01.

Conditions:
Charcot-Marie-Tooth disease type 4H (CMT4H). Also called: CHARCOT-MARIE-TOOTH DISEASE, AUTOSOMAL RECESSIVE, TYPE 4H; CHARCOT-MARIE-TOOTH DISEASE, DEMYELINATING, AUTOSOMAL RECESSIVE, TYPE 4H; CHARCOT-MARIE-TOOTH NEUROPATHY, TYPE 4H; CHARCOT-MARIE-TOOTH DISEASE, DEMYELINATING, TYPE 4H. Identifiers: Orphanet 99954, MedGen C1836336, MONDO:0012250, OMIM 609311.

Allele frequency attached by ClinVar (database versions not stated): gnomAD exomes 0.00075; gnomAD 0.00603 and 0.00658; 1000 Genomes Project 0.00679; 1000 Genomes Project 30x 0.00687; TOPMed 0.00695.
gnomAD v4.1: 1,248 of 591,796 alleles (0.21%); highest among the groups gnomAD compares: African/African-American, 2.1%; 10 homozygotes.

Submissions (2):

GeneDx
Classification: Likely benign. Last evaluated: 2019-05-01. Review status: criteria provided, single submitter. Criteria: GeneDx Variant Classification Process June 2021. Collection method: clinical testing. Allele origin: germline. Affected: yes.

Illumina Laboratory Services, Illumina
Classification: Benign for Charcot-Marie-Tooth disease type 4H. Last evaluated: 2018-01-13. Review status: criteria provided, single submitter. Criteria: ICSL Variant Classification Criteria 13 December 2019. Collection method: clinical testing. Allele origin: germline.
Comment: This variant was observed in the ICSL laboratory as part of a predisposition screen in an ostensibly healthy population. It had not been previously curated by ICSL or reported in the Human Gene Mutation Database (HGMD: prior to June 1st, 2018), and was therefore a candidate for classification through an automated scoring system. Utilizing variant allele frequency, disease prevalence and penetrance estimates, and inheritance mode, an automated score was calculated to assess if this variant is too frequent to cause the disease. Based on the score and internal cut-off values, a variant classified as benign is not then subjected to further curation. The score for this variant resulted in a classification of benign for this disease.